The following is an entry in ClinVar:

NM_000064.4(C3):c.4201T>A (p.Ser1401Thr)

Gene: C3 (complement C3; minus strand). Cytogenetic location: 19p13.3.
Variant type: single nucleotide variant.
Coding change: c.4201T>A on transcript NM_000064.4 (MANE Select); coding-DNA position 4201, T replaced by A.
Protein change: p.Ser1401Thr; replaces serine 1401 with threonine.
Molecular consequence: missense variant.
Genome position (GRCh38, 1-based): chr19:6,682,201, A>T on the plus strand (T>A on the coding strand, the complement: C3 is on the minus strand). VCF-style: chr19-6682201-A-T. GRCh37 (hg19) VCF-style: chr19-6682212-A-T.
Other names: short protein forms S1401T.
Identifiers: ClinVar variation 1311296 (VCV001311296.2), dbSNP rs2145393540, ClinGen allele CA403615466.
Genomic context (GRCh38, chr19:6,682,201, plus strand): 5'-CCTGCTTCAGGTCATCTGTGTCTGGAGCAAAGCCAGTCATCATGGATATGTCCAATATAG[A>T]CATAGTGGCATCCTGGTCTCCCCGGTACCTGGATAGTGCAGAAAGAAGGGCATTGGGTCC-3'
Protein context (NP_000055.2, residues 1391-1411): RYRGDQDATM[Ser1401Thr]ILDISMMTGF

ClinVar aggregate classification (germline): Uncertain significance (1 of 4 stars; one submission).

Submission:

GeneDx
Classification: Uncertain significance. Last evaluated: 2019-09-10. Review status: criteria provided, single submitter. Criteria: GeneDx Variant Classification Process June 2021. Collection method: clinical testing. Allele origin: germline. Affected: yes.
Comment: Not observed in large population cohorts (Lek et al., 2016); In silico analysis, which includes protein predictors and evolutionary conservation, supports that this variant does not alter protein structure/function; Has not been previously published as pathogenic or benign to our knowledge